The following is an entry in ClinVar:

NM_000092.5:c.(1204+1_1205-1)_(1369+1_1370-1)del

Gene: COL4A4 (collagen type IV alpha 4 chain; minus strand).
Variant type: Deletion.
Other names: c.(1204+1_1205-1)_(1369+1_1370-1)del (NM_000092.5).
Identifiers: ClinVar variation 4884682 (VCV004884682.1).

ClinVar aggregate classification (germline): Pathogenic (1 of 4 stars; one submission).

Conditions:
Autosomal recessive Alport syndrome (ATS2). Also called: COL4A4 Alport Syndrome and Thin Basement Membrane Nephropathy; ALPORT SYNDROME 2, AUTOSOMAL RECESSIVE; COL4A3-Related Nephropathy; Alport syndrome type 2. Identifiers: Orphanet 63, Orphanet 88919, MedGen C4746745, MONDO:0008762, OMIM 203780.

Submission:

Centre de Génétique Humaine, Institut de Pathologie Et de Génétique
Classification: Pathogenic for Autosomal recessive Alport syndrome. Last evaluated: 2026-04-10. Review status: criteria provided, single submitter. Criteria: ACMG Guidelines, 2015. Collection method: clinical testing. Allele origin: germline. Inheritance: Autosomal recessive inheritance. Affected: yes. Observed: 1 variant allele, 1 compound heterozygote.